The following is an entry in ClinVar:

ClinVar aggregate classification (germline): Uncertain significance (1 of 4 stars; one submission).

Conditions:
Autosomal dominant nonsyndromic hearing loss 1. Also called: KONIGSMARK SYNDROME; DEAFNESS, AUTOSOMAL DOMINANT 1, WITH OR WITHOUT THROMBOCYTOPENIA. Identifiers: Orphanet 90635, MedGen C1852282, MONDO:0007424, OMIM 124900.
Progressive microcephaly-seizures-cortical blindness-developmental delay syndrome. Also called: Seizures, cortical blindness, and microcephaly syndrome. Identifiers: Orphanet 477814, MedGen C5567650, MONDO:0014714, OMIM 616632.

Allele frequency attached by ClinVar (database versions not stated): gnomAD exomes 0.00001; ExAC 0.00003; gnomAD 0.00005; ESP Exome Variant Server 0.00008.
gnomAD v4.1: 17 of 1,613,280 alleles (0.0011%); highest among the groups gnomAD compares: African/African-American, 0.008%; no homozygotes.

Submission:

Labcorp Genetics (formerly Invitae), Labcorp
Classification: Uncertain significance for Progressive microcephaly-seizures-cortical blindness-developmental delay syndrome; Autosomal dominant nonsyndromic hearing loss 1. Last evaluated: 2024-04-05. Review status: criteria provided, single submitter. Criteria: Invitae Variant Classification Sherloc (09022015). Collection method: clinical testing. Allele origin: germline.
Comment: This sequence change replaces arginine, which is basic and polar, with cysteine, which is neutral and slightly polar, at codon 384 of the DIAPH1 protein (p.Arg384Cys). This variant is present in population databases (rs372873909, gnomAD 0.01%). This variant has not been reported in the literature in individuals affected with DIAPH1-related conditions. ClinVar contains an entry for this variant (Variation ID: 1905747). Experimental studies and prediction algorithms are not available or were not evaluated, and the functional significance of this variant is currently unknown. In summary, the available evidence is currently insufficient to determine the role of this variant in disease. Therefore, it has been classified as a Variant of Uncertain Significance.

NM_005219.5(DIAPH1):c.1150C>T (p.Arg384Cys)

Gene: DIAPH1 (diaphanous related formin 1; minus strand). Cytogenetic location: 5q31.3.
Variant type: single nucleotide variant.
Coding change: c.1150C>T on transcript NM_005219.5 (MANE Select); coding-DNA position 1150, C replaced by T.
Protein change: p.Arg384Cys; replaces arginine 384 with cysteine.
Molecular consequence: missense variant.
Genome position (GRCh38, 1-based): chr5:141,578,238, G>A on the plus strand (C>T on the coding strand, the complement: DIAPH1 is on the minus strand). VCF-style: chr5-141578238-G-A. GRCh37 (hg19) VCF-style: chr5-140957805-G-A.
Other names: c.1123C>T, p.Arg375Cys (NM_001079812.3); c.1150C>T, p.Arg384Cys (NM_001314007.2); short protein forms R375C, R384C.
Identifiers: ClinVar variation 1905747 (VCV001905747.5), dbSNP rs372873909, ClinGen allele CA3479378.